The following is an entry in ClinVar:

NM_144687.4(NLRP12):c.538G>A (p.Gly180Ser)

Gene: NLRP12 (NLR family pyrin domain containing 12; minus strand). Cytogenetic location: 19q13.42.
Variant type: single nucleotide variant.
Coding change: c.538G>A on transcript NM_144687.4 (MANE Select); coding-DNA position 538, G replaced by A.
Protein change: p.Gly180Ser; replaces glycine 180 with serine.
Molecular consequence: missense variant.
Genome position (GRCh38, 1-based): chr19:53,811,121, C>T on the plus strand (G>A on the coding strand, the complement: NLRP12 is on the minus strand). VCF-style: chr19-53811121-C-T. GRCh37 (hg19) VCF-style: chr19-54314375-C-T.
Other names: c.538G>A (NM_144687.2); c.538G>A, p.Gly180Ser (NM_001277126.2, NM_001277129.1); short protein forms G180S.
Identifiers: ClinVar variation 894591 (VCV000894591.9), dbSNP rs563974183, ClinGen allele CA9639683.

ClinVar aggregate classification (germline): Conflicting classifications of pathogenicity. Review status: criteria provided, conflicting classifications (1 of 4 stars). 3 submissions from 3 submitters: Uncertain significance (2); Likely benign (1). Last evaluated 2025-11-08.

Conditions:
Familial cold autoinflammatory syndrome 2 (FCAS2). Identifiers: Orphanet 247868, MedGen C2673198, MONDO:0012724, OMIM 611762.
Inborn genetic diseases. Identifiers: MedGen C0950123, MeSH D030342.

Allele frequency attached by ClinVar (database versions not stated): gnomAD 0.00001; TOPMed 0.00001; gnomAD exomes 0.00002; ExAC 0.00004; 1000 Genomes Project 0.00040; 1000 Genomes Project 30x 0.00047.
gnomAD v4.1: 33 of 1,614,116 alleles (0.002%); highest among the groups gnomAD compares: South Asian, 0.026%; no homozygotes.

Submissions (3):

Ambry Genetics
Classification: Uncertain significance for Inborn genetic diseases. Last evaluated: 2025-11-08. Review status: criteria provided, single submitter. Criteria: Ambry Variant Classification Scheme 2023. Collection method: clinical testing. Allele origin: germline.

Labcorp Genetics (formerly Invitae), Labcorp
Classification: Uncertain significance for Familial cold autoinflammatory syndrome 2. Last evaluated: 2025-08-03. Review status: criteria provided, single submitter. Criteria: Invitae Variant Classification Sherloc (09022015). Collection method: clinical testing. Allele origin: germline.
Comment: This sequence change replaces glycine, which is neutral and non-polar, with serine, which is neutral and polar, at codon 180 of the NLRP12 protein (p.Gly180Ser). This variant is present in population databases (rs563974183, gnomAD 0.02%). This variant has not been reported in the literature in individuals affected with NLRP12-related conditions. ClinVar contains an entry for this variant (Variation ID: 894591). An algorithm developed to predict the effect of missense changes on protein structure and function outputs the following: PolyPhen-2: "Benign". The serine amino acid residue is found in multiple mammalian species, which suggests that this missense change does not adversely affect protein function. In summary, the available evidence is currently insufficient to determine the role of this variant in disease. Therefore, it has been classified as a Variant of Uncertain Significance.

Illumina Laboratory Services, Illumina
Classification: Likely benign for Familial cold autoinflammatory syndrome 2. Last evaluated: 2018-01-13. Review status: criteria provided, single submitter. Criteria: ICSL Variant Classification Criteria 13 December 2019. Collection method: clinical testing. Allele origin: germline.
Comment: This variant was observed in the ICSL laboratory as part of a predisposition screen in an ostensibly healthy population. It had not been previously curated by ICSL or reported in the Human Gene Mutation Database (HGMD: prior to June 1st, 2018), and was therefore a candidate for classification through an automated scoring system. Utilizing variant allele frequency, disease prevalence and penetrance estimates, and inheritance mode, an automated score was calculated to assess if this variant is too frequent to cause the disease. Based on the score and internal cut-off values, a variant classified as likely benign is not then subjected to further curation. The score for this variant resulted in a classification of likely benign for this disease.